The following is an entry in ClinVar:

ClinVar aggregate classification (germline): Likely benign (0 of 4 stars; one submission).

Conditions:
SUPT16H-related disorder. Also called: SUPT16H-related condition.

Allele frequency attached by ClinVar (database versions not stated): 1000 Genomes Project 30x 0.00016; 1000 Genomes Project 0.00020; TOPMed 0.00030; ESP Exome Variant Server 0.00038; gnomAD 0.00045; gnomAD exomes 0.00064; ExAC 0.00085.
gnomAD v4.1: 992 of 1,613,868 alleles (0.061%); highest among the groups gnomAD compares: Non-Finnish European, 0.073%; 3 homozygotes.

Submission:

PreventionGenetics, part of Exact Sciences
Classification: Likely benign for SUPT16H-related condition. Last evaluated: 2019-05-07. Review status: no assertion criteria provided. Collection method: clinical testing. Allele origin: germline.
Comment: This variant is classified as likely benign based on ACMG/AMP sequence variant interpretation guidelines (Richards et al. 2015 PMID: 25741868, with internal and published modifications).

NM_007192.4(SUPT16H):c.1087A>G (p.Ile363Val)

Gene: SUPT16H (SPT16 homolog, facilitates chromatin remodeling subunit; minus strand). Cytogenetic location: 14q11.2.
Variant type: single nucleotide variant.
Coding change: c.1087A>G on transcript NM_007192.4 (MANE Select); coding-DNA position 1087, A replaced by G.
Protein change: p.Ile363Val; replaces isoleucine 363 with valine.
Molecular consequence: missense variant.
Genome position (GRCh38, 1-based): chr14:21,365,103, T>C on the plus strand (A>G on the coding strand, the complement: SUPT16H is on the minus strand). VCF-style: chr14-21365103-T-C. GRCh37 (hg19) VCF-style: chr14-21833262-T-C.
Other names: short protein forms I363V.
Identifiers: ClinVar variation 3037670 (VCV003037670.2), dbSNP rs139418140, ClinGen allele CA7090198.
Genomic context (GRCh38, chr14:21,365,103, plus strand): 5'-CATTTTCCTATTGTATGTGAAACTTACCTTTCTTCAGTTTGTATTGATTTTTGCTATTGA[T>C]TACTAGGGAGCCTTCACGGAATTCAATTCCCATCCCAAACCTGAAAAGAAACAGATAAAC-3'
Protein context (NP_009123.1, residues 353-373): GIEFREGSLV[Ile363Val]NSKNQYKLKK